The following is an entry in ClinVar:

ClinVar aggregate classification (germline): Uncertain significance. Review status: criteria provided, multiple submitters, no conflicts (2 of 4 stars). 2 submissions from 2 submitters: Uncertain significance (2). Last evaluated 2025-08-10.

Conditions:
Cardiovascular phenotype. Identifiers: MedGen CN230736.
Brugada syndrome 8 (BRGDA8). Identifiers: Orphanet 130, MedGen C2751083, MONDO:0013148, OMIM 613123.

Allele frequency attached by ClinVar (database versions not stated): gnomAD exomes below 0.00001; TOPMed below 0.00001.

Submissions (2):

Ambry Genetics
Classification: Uncertain significance for Cardiovascular phenotype. Last evaluated: 2025-08-10. Review status: criteria provided, single submitter. Criteria: Ambry Variant Classification Scheme 2023. Collection method: clinical testing. Allele origin: germline.

Labcorp Genetics (formerly Invitae), Labcorp
Classification: Uncertain significance for Brugada syndrome 8. Last evaluated: 2024-02-24. Review status: criteria provided, single submitter. Criteria: Invitae Variant Classification Sherloc (09022015). Collection method: clinical testing. Allele origin: germline.
Comment: This sequence change replaces alanine, which is neutral and non-polar, with valine, which is neutral and non-polar, at codon 71 of the HCN4 protein (p.Ala71Val). This variant is not present in population databases (gnomAD no frequency). This variant has not been reported in the literature in individuals affected with HCN4-related conditions. ClinVar contains an entry for this variant (Variation ID: 1786373). Advanced modeling of protein sequence and biophysical properties (such as structural, functional, and spatial information, amino acid conservation, physicochemical variation, residue mobility, and thermodynamic stability) performed at Invitae indicates that this missense variant is not expected to disrupt HCN4 protein function with a negative predictive value of 95%. In summary, the available evidence is currently insufficient to determine the role of this variant in disease. Therefore, it has been classified as a Variant of Uncertain Significance.

NM_005477.3(HCN4):c.212C>T (p.Ala71Val)

Gene: HCN4 (hyperpolarization activated cyclic nucleotide gated potassium channel 4; minus strand). Cytogenetic location: 15q24.1.
Variant type: single nucleotide variant.
Coding change: c.212C>T on transcript NM_005477.3 (MANE Select); coding-DNA position 212, C replaced by T.
Protein change: p.Ala71Val; replaces alanine 71 with valine.
Molecular consequence: missense variant.
Genome position (GRCh38, 1-based): chr15:73,368,059, G>A on the plus strand (C>T on the coding strand, the complement: HCN4 is on the minus strand). VCF-style: chr15-73368059-G-A. GRCh37 (hg19) VCF-style: chr15-73660400-G-A.
Other names: short protein forms A71V.
Identifiers: ClinVar variation 1786373 (VCV001786373.8), dbSNP rs1451861074, ClinGen allele CA393098698.